The following is an entry in ClinVar:

ClinVar aggregate classification (germline): Conflicting classifications of pathogenicity. Review status: criteria provided, conflicting classifications (1 of 4 stars). 2 submissions from 1 submitter: Uncertain significance (1); Likely benign (1). Last evaluated 2018-01-13.

Conditions:
Isolated microphthalmia 5. Also called: Posterior Microphthalmia with Retinitis Pigmentosa, Foveoschisis, and Optic Disc Drusen. Identifiers: Orphanet 251279, MedGen C1970236, MONDO:0012605, OMIM 611040.
Late-onset retinal degeneration (LORD). Also called: RETINAL DEGENERATION, LATE-ONSET, AUTOSOMAL DOMINANT. Identifiers: Orphanet 67042, MedGen C1854065, MONDO:0011579, OMIM 605670. Disease mechanism: loss of function.

Allele frequency attached by ClinVar (database versions not stated): 1000 Genomes Project 0.00040; gnomAD exomes 0.00061 and 0.00103; TOPMed 0.00062; ExAC 0.00097; gnomAD 0.00062 and 0.00058; 1000 Genomes Project 30x 0.00031; ESP Exome Variant Server 0.00046.
gnomAD v4.1: 1,018 of 1,585,996 alleles (0.064%); highest among the groups gnomAD compares: Middle Eastern, 0.32%; 6 homozygotes.

Submissions (2):

Illumina Laboratory Services, Illumina
Classification: Uncertain significance for Isolated microphthalmia 5. Last evaluated: 2018-01-13. Review status: criteria provided, single submitter. Criteria: ICSL Variant Classification Criteria 13 December 2019. Collection method: clinical testing. Allele origin: germline.

Illumina Laboratory Services, Illumina
Classification: Likely benign for Late-onset retinal degeneration. Last evaluated: 2018-01-12. Review status: criteria provided, single submitter. Criteria: ICSL Variant Classification Criteria 13 December 2019. Collection method: clinical testing. Allele origin: germline.
Comment: This variant was observed in the ICSL laboratory as part of a predisposition screen in an ostensibly healthy population. It had not been previously curated by ICSL or reported in the Human Gene Mutation Database (HGMD: prior to June 1st, 2018), and was therefore a candidate for classification through an automated scoring system. Utilizing variant allele frequency, disease prevalence and penetrance estimates, and inheritance mode, an automated score was calculated to assess if this variant is too frequent to cause the disease. Based on the score and internal cut-off values, a variant classified as likely benign is not then subjected to further curation. The score for this variant resulted in a classification of likely benign for this disease.

NM_031433.4(MFRP):c.-49G>A

Genes: C1QTNF5 (C1q and TNF related 5; minus strand), MFRP (membrane frizzled-related protein; minus strand). Cytogenetic location: 11q23.3.
Variant type: single nucleotide variant.
Coding change: c.-49G>A on transcript NM_031433.4 (MANE Select); 49 bases upstream of the start codon, G replaced by A.
Molecular consequence: 5 prime UTR variant.
Genome position (GRCh38, 1-based): chr11:119,346,562, C>T on the plus strand (G>A on the coding strand, the complement: MFRP is on the minus strand). VCF-style: chr11-119346562-C-T. GRCh37 (hg19) VCF-style: chr11-119217272-C-T.
Other names: c.-2685G>A (NM_015645.5).
Identifiers: ClinVar variation 302984 (VCV000302984.8), dbSNP rs201954533, ClinGen allele CA6320750.